The following is an entry in ClinVar:

ClinVar aggregate classification (germline): Uncertain significance. Review status: criteria provided, multiple submitters, no conflicts (2 of 4 stars). 2 submissions from 2 submitters: Uncertain significance (2). Last evaluated 2024-11-30.

Conditions:
Hereditary cancer-predisposing syndrome. Also called: Hereditary Cancer Syndrome; Tumor predisposition; Hereditary neoplastic syndrome; Neoplastic Syndromes, Hereditary. Identifiers: Orphanet 140162, MedGen C0027672, MeSH D009386, MONDO:0015356.
Waardenburg syndrome type 2A (WS2A). Also called: WAARDENBURG SYNDROME WITHOUT DYSTOPIA CANTHORUM. Identifiers: Orphanet 3440, MedGen C1860339, MONDO:0008671, OMIM 193510.
Melanoma, cutaneous malignant, susceptibility to, 8. Also called: MELANOMA AND RENAL CELL CARCINOMA, SUSCEPTIBILITY TO; Cutaneous malignant melanoma 8. Identifiers: Orphanet 293822, MedGen C3152204, MONDO:0013759, OMIM 614456.
Tietz syndrome (TADS). Also called: ALBINISM-DEAFNESS OF TIETZ; HYPOPIGMENTATION/DEAFNESS OF TIETZ; TIETZ ALBINISM-DEAFNESS SYNDROME. Identifiers: Orphanet 42665, MedGen C0391816, MONDO:0007077, OMIM 103500.

Submissions (2):

Ambry Genetics
Classification: Uncertain significance for Hereditary cancer-predisposing syndrome. Last evaluated: 2024-11-30. Review status: criteria provided, single submitter. Criteria: Ambry Variant Classification Scheme 2023. Collection method: clinical testing. Allele origin: germline.
Comment: The p.N278K variant (also known as c.834C>G), located in coding exon 8 of the MITF gene, results from a C to G substitution at nucleotide position 834. The asparagine at codon 278 is replaced by lysine, an amino acid with similar properties. This amino acid position is conserved. In addition, this alteration is predicted to be tolerated by in silico analysis. Based on the available evidence, the clinical significance of this variant remains unclear.

Labcorp Genetics (formerly Invitae), Labcorp
Classification: Uncertain significance for Melanoma, cutaneous malignant, susceptibility to, 8; Waardenburg syndrome type 2A; Tietz syndrome. Last evaluated: 2024-07-08. Review status: criteria provided, single submitter. Criteria: Invitae Variant Classification Sherloc (09022015). Collection method: clinical testing. Allele origin: germline.
Comment: This sequence change replaces asparagine, which is neutral and polar, with lysine, which is basic and polar, at codon 278 of the MITF protein (p.Asn278Lys). This variant is not present in population databases (gnomAD no frequency). This variant has not been reported in the literature in individuals affected with MITF-related conditions. Advanced modeling of protein sequence and biophysical properties (such as structural, functional, and spatial information, amino acid conservation, physicochemical variation, residue mobility, and thermodynamic stability) performed at Invitae indicates that this missense variant is expected to disrupt MITF protein function with a positive predictive value of 80%. In summary, the available evidence is currently insufficient to determine the role of this variant in disease. Therefore, it has been classified as a Variant of Uncertain Significance.

NM_001354604.2(MITF):c.1155C>G (p.Asn385Lys)

Gene: MITF (melanocyte inducing transcription factor; plus strand). Cytogenetic location: 3p13.
Variant type: single nucleotide variant.
Coding change: c.1155C>G on transcript NM_001354604.2 (MANE Select); coding-DNA position 1155, C replaced by G.
Protein change: p.Asn385Lys; replaces asparagine 385 with lysine.
Molecular consequence: missense variant.
Genome position (GRCh38, 1-based): chr3:69,959,396, C>G. VCF-style: chr3-69959396-C-G. GRCh37 (hg19) VCF-style: chr3-70008547-C-G.
Other names: c.834C>G, p.Asn278Lys (NM_000248.4); c.981C>G, p.Asn327Lys (NM_001184967.2, NM_001354608.2); c.1152C>G, p.Asn384Lys (NM_001354605.2); c.1134C>G, p.Asn378Lys (NM_001354606.2, NM_006722.3); c.1086C>G, p.Asn362Lys (NM_001354607.2); c.816C>G, p.Asn272Lys (NM_198158.3); c.1137C>G, p.Asn379Lys (NM_198159.3); c.1089C>G, p.Asn363Lys (NM_198177.3); and 1 more; short protein forms N216K, N379K, N272K, N327K, N362K, N363K, N378K, N278K.
Identifiers: ClinVar variation 3396344 (VCV003396344.3).
Genomic context (GRCh38, chr3:69,959,396, plus strand): 5'-ACGAGAACAGCAACGCGCAAAAGAACTTGAAAACCGACAGAAGAAACTGGAGCACGCCAA[C>G]CGGCATTTGTTGCTCAGAATACAGGTACGCAGCCTGAGTTGTGTAAAGTTTACTGCTTTT-3'
Protein context (NP_001341533.1, residues 375-395): ENRQKKLEHA[Asn385Lys]RHLLLRIQEL